The following is an entry in ClinVar:

ClinVar aggregate classification (germline): Uncertain significance (1 of 4 stars; one submission).

Conditions:
Inborn genetic diseases. Identifiers: MedGen C0950123, MeSH D030342.

Allele frequency attached by ClinVar (database versions not stated): TOPMed below 0.00001.
gnomAD v4.1: 2 of 1,614,142 alleles (0.00012%); highest among the groups gnomAD compares: Non-Finnish European, 0.00017%; no homozygotes.

Submission:

Ambry Genetics
Classification: Uncertain significance for Inborn genetic diseases. Last evaluated: 2017-10-27. Review status: criteria provided, single submitter. Criteria: Ambry Variant Classification Scheme 2023. Collection method: clinical testing. Allele origin: germline.
Comment: The p.L1661F variant (also known as c.4981C>T), located in coding exon 19 of the ARID1B gene, results from a C to T substitution at nucleotide position 4981. The leucine at codon 1661 is replaced by phenylalanine, an amino acid with highly similar properties. This amino acid position is highly conserved in available vertebrate species. In addition, the in silico prediction for this alteration is inconclusive. Since supporting evidence is limited at this time, the clinical significance of this alteration remains unclear.

NM_001374828.1(ARID1B):c.5350C>T (p.Leu1784Phe)

Gene: ARID1B (AT-rich interaction domain 1B; plus strand). Cytogenetic location: 6q25.3.
Variant type: single nucleotide variant.
Coding change: c.5350C>T on transcript NM_001374828.1 (MANE Select); coding-DNA position 5350, C replaced by T.
Protein change: p.Leu1784Phe; replaces leucine 1784 with phenylalanine.
Molecular consequence: missense variant.
Genome position (GRCh38, 1-based): chr6:157,203,952, C>T. VCF-style: chr6-157203952-C-T. GRCh37 (hg19) VCF-style: chr6-157525086-C-T.
Other names: c.5101C>T, p.Leu1701Phe (NM_001346813.1); c.2851C>T, p.Leu951Phe (NM_001363725.2); c.5230C>T, p.Leu1744Phe (NM_001371656.1, NM_001374820.1); c.5191C>T, p.Leu1731Phe (NM_017519.3); c.4981C>T, p.Leu1661Phe (NM_020732.3); c.4768C>T, p.Leu1590Phe (NM_175863.2); short protein forms L1661F, L1731F, L1744F, L951F, L1590F, L1701F, L1784F.
Identifiers: ClinVar variation 1744536 (VCV001744536.2), dbSNP rs925651033, ClinGen allele CA150372196.
Genomic context (GRCh38, chr6:157,203,952, plus strand): 5'-ATGTCCCTTAAATCAGGTCTTTTGGCTGAGAGTACGTGGGCTTTGGACACTATTAATATT[C>T]TTCTGTATGATGACAGCACTGTTGCTACTTTCAATCTCTCCCAGGTAAGCCAGCATAGTC-3'
Protein context (NP_001361757.1, residues 1774-1794): STWALDTINI[Leu1784Phe]LYDDSTVATF